The following is an entry in ClinVar:

NM_001378609.3(OTOGL):c.6710C>G (p.Pro2237Arg)

Gene: OTOGL (otogelin like; plus strand). Cytogenetic location: 12q21.31.
Variant type: single nucleotide variant.
Coding change: c.6710C>G on transcript NM_001378609.3 (MANE Select); coding-DNA position 6710, C replaced by G.
Protein change: p.Pro2237Arg; replaces proline 2237 with arginine.
Molecular consequence: missense variant.
Genome position (GRCh38, 1-based): chr12:80,370,664, C>G. VCF-style: chr12-80370664-C-G. GRCh37 (hg19) VCF-style: chr12-80764444-C-G.
Other names: c.6710C>G, p.Pro2237Arg (NM_173591.7, NM_001378610.3); c.6575C>G, p.Pro2192Arg (NM_001368062.3); short protein forms P2192R, P2237R.
Identifiers: ClinVar variation 2095017 (VCV002095017.4), dbSNP rs770975158, ClinGen allele CA6702116.

ClinVar aggregate classification (germline): Uncertain significance (1 of 4 stars; one submission).

gnomAD v4.1: 1 of 1,585,622 alleles (0.000063%); highest among the groups gnomAD compares: Admixed American, 0.0017%; no homozygotes.

Submission:

Labcorp Genetics (formerly Invitae), Labcorp
Classification: Uncertain significance. Last evaluated: 2022-07-26. Review status: criteria provided, single submitter. Criteria: Invitae Variant Classification Sherloc (09022015). Collection method: clinical testing. Allele origin: germline.
Comment: In summary, the available evidence is currently insufficient to determine the role of this variant in disease. Therefore, it has been classified as a Variant of Uncertain Significance. Algorithms developed to predict the effect of sequence changes on RNA splicing suggest that this variant may disrupt the consensus splice site. Algorithms developed to predict the effect of missense changes on protein structure and function are either unavailable or do not agree on the potential impact of this missense change (SIFT: "Deleterious"; PolyPhen-2: "Probably Damaging"; Align-GVGD: "Class C0"). This variant has not been reported in the literature in individuals affected with OTOGL-related conditions. This variant is present in population databases (rs770975158, gnomAD 0.003%). This sequence change replaces proline, which is neutral and non-polar, with arginine, which is basic and polar, at codon 2228 of the OTOGL protein (p.Pro2228Arg).